The following is an entry in ClinVar:

ClinVar aggregate classification (germline): Uncertain significance (1 of 4 stars; one submission).

gnomAD v4.1: 2 of 1,614,114 alleles (0.00012%); highest among the groups gnomAD compares: Admixed American, 0.0033%; no homozygotes.

Submission:

Labcorp Genetics (formerly Invitae), Labcorp
Classification: Uncertain significance. Last evaluated: 2023-09-30. Review status: criteria provided, single submitter. Criteria: Invitae Variant Classification Sherloc (09022015). Collection method: clinical testing. Allele origin: germline.
Comment: This sequence change replaces isoleucine, which is neutral and non-polar, with serine, which is neutral and polar, at codon 2085 of the FAT4 protein (p.Ile2085Ser). This variant is present in population databases (rs773272677, gnomAD 0.003%). This variant has not been reported in the literature in individuals affected with FAT4-related conditions. Advanced modeling of protein sequence and biophysical properties (such as structural, functional, and spatial information, amino acid conservation, physicochemical variation, residue mobility, and thermodynamic stability) performed at Invitae indicates that this missense variant is expected to disrupt FAT4 protein function. In summary, the available evidence is currently insufficient to determine the role of this variant in disease. Therefore, it has been classified as a Variant of Uncertain Significance.

NM_001291303.3(FAT4):c.6254T>G (p.Ile2085Ser)

Gene: FAT4 (FAT atypical cadherin 4; plus strand). Cytogenetic location: 4q28.1.
Variant type: single nucleotide variant.
Coding change: c.6254T>G on transcript NM_001291303.3 (MANE Select); coding-DNA position 6254, T replaced by G.
Protein change: p.Ile2085Ser; replaces isoleucine 2085 with serine.
Molecular consequence: missense variant.
Genome position (GRCh38, 1-based): chr4:125,415,217, T>G. VCF-style: chr4-125415217-T-G. GRCh37 (hg19) VCF-style: chr4-126336372-T-G.
Other names: c.6254T>G, p.Ile2085Ser (NM_001291285.3, NM_024582.6); short protein forms I2085S.
Identifiers: ClinVar variation 2962622 (VCV002962622.3), dbSNP rs773272677, ClinGen allele CA3072890.
Genomic context (GRCh38, chr4:125,415,217, plus strand): 5'-TTGATACTGTTGTTTTCAAAGCTCAAGCAACTGACCCAGATAGTGGCCCAAACAGCTATA[T>G]TGAGTACACTCTGCTGAACCCTTTGGGAAACAAGTTCAGTATTGGGACCATTGATGGTGA-3'
Protein context (NP_001278232.1, residues 2075-2095): TDPDSGPNSY[Ile2085Ser]EYTLLNPLGN